The following is an entry in ClinVar:

ClinVar aggregate classification (germline): Uncertain significance (1 of 4 stars; one submission).

gnomAD v4.1: 1 of 1,593,632 alleles (0.000063%); highest among the groups gnomAD compares: Non-Finnish European, 0.000085%; no homozygotes.

Submission:

Labcorp Genetics (formerly Invitae), Labcorp
Classification: Uncertain significance. Last evaluated: 2025-05-17. Review status: criteria provided, single submitter. Criteria: Invitae Variant Classification Sherloc (09022015). Collection method: clinical testing. Allele origin: germline.
Comment: This sequence change replaces tryptophan, which is neutral and slightly polar, with arginine, which is basic and polar, at codon 34 of the WNT1 protein (p.Trp34Arg). This variant is not present in population databases (gnomAD no frequency). This variant has not been reported in the literature in individuals affected with WNT1-related conditions. An algorithm developed to predict the effect of missense changes on protein structure and function (PolyPhen-2) suggests that this variant is likely to be tolerated. In summary, the available evidence is currently insufficient to determine the role of this variant in disease. Therefore, it has been classified as a Variant of Uncertain Significance.

NM_005430.4(WNT1):c.100T>C (p.Trp34Arg)

Gene: WNT1 (Wnt family member 1; plus strand). Cytogenetic location: 12q13.12.
Variant type: single nucleotide variant.
Coding change: c.100T>C on transcript NM_005430.4 (MANE Select); coding-DNA position 100, T replaced by C.
Protein change: p.Trp34Arg; replaces tryptophan 34 with arginine.
Molecular consequence: missense variant.
Genome position (GRCh38, 1-based): chr12:48,978,750, T>C. VCF-style: chr12-48978750-T-C. GRCh37 (hg19) VCF-style: chr12-49372533-T-C.
Other names: short protein forms W34R.
Identifiers: ClinVar variation 4809319 (VCV004809319.1).